The following is an entry in ClinVar:

ClinVar aggregate classification (germline): Uncertain significance (1 of 4 stars; one submission).

Submission:

GeneDx
Classification: Uncertain significance. Last evaluated: 2019-05-28. Review status: criteria provided, single submitter. Criteria: GeneDx Variant Classification Process June 2021. Collection method: clinical testing. Allele origin: germline. Affected: yes.
Comment: Not observed in large population cohorts (Lek et al., 2016); In silico analysis, which includes protein predictors and evolutionary conservation, supports a deleterious effect; Has not been previously published as pathogenic or benign to our knowledge

NM_022552.5(DNMT3A):c.12G>C (p.Met4Ile)

Gene: DNMT3A (DNA methyltransferase 3 alpha; minus strand). Cytogenetic location: 2p23.3.
Variant type: single nucleotide variant.
Coding change: c.12G>C on transcript NM_022552.5 (MANE Select); coding-DNA position 12, G replaced by C.
Protein change: p.Met4Ile; replaces methionine 4 with isoleucine.
Molecular consequence: missense variant. On other transcripts: non-coding transcript variant (1).
Genome position (GRCh38, 1-based): chr2:25,313,973, C>G on the plus strand (G>C on the coding strand, the complement: DNMT3A is on the minus strand). VCF-style: chr2-25313973-C-G. GRCh37 (hg19) VCF-style: chr2-25536842-C-G.
Other names: c.12G>C, p.Met4Ile (NM_001320892.2, NM_175629.2, NM_175630.1); short protein forms M4I.
Identifiers: ClinVar variation 1319031 (VCV001319031.2), dbSNP rs1457508951, ClinGen allele CA346254519.
Genomic context (GRCh38, chr2:25,313,973, plus strand): 5'-CTTTCGGTCCTCCTCCCGCTCCGCAGCAGAGCTGCTGGTGTCCCCGGGGCCGCTGGAGGG[C>G]ATGGCGGGCATCTGGGCGCCGGGAGGCAGGCTGGGGCTGCGCGGGGCTGGGGGGCTGCTG-3'
Protein context (NP_072046.2, residues 1-14): MPA[Met4Ile]PSSGPGDTSS